The following is an entry in ClinVar:

NM_000038.6(APC):c.1925T>C (p.Val642Ala)

Gene: APC (APC regulator of Wnt signaling pathway; plus strand). Cytogenetic location: 5q22.2.
Variant type: single nucleotide variant.
Coding change: c.1925T>C on transcript NM_000038.6 (MANE Select); coding-DNA position 1925, T replaced by C.
Protein change: p.Val642Ala; replaces valine 642 with alanine.
Molecular consequence: missense variant.
Genome position (GRCh38, 1-based): chr5:112,835,132, T>C. VCF-style: chr5-112835132-T-C. GRCh37 (hg19) VCF-style: chr5-112170829-T-C.
Other names: c.1925T>C, p.Val642Ala (NM_001127510.3, NM_001354895.2); c.1871T>C, p.Val624Ala (NM_001127511.3); c.1979T>C, p.Val660Ala (NM_001354896.2); c.1955T>C, p.Val652Ala (NM_001354897.2); c.1850T>C, p.Val617Ala (NM_001354898.2); c.1841T>C, p.Val614Ala (NM_001354899.2); c.1802T>C, p.Val601Ala (NM_001354900.2); c.1748T>C, p.Val583Ala (NM_001354901.2); and 5 more; short protein forms V624A, V642A, V482A, V516A, V541A, V583A, V660A, V359A.
Identifiers: ClinVar variation 438869 (VCV000438869.21), dbSNP rs759528091, ClinGen allele CA029918.

ClinVar aggregate classification (germline): Conflicting classifications of pathogenicity. Review status: criteria provided, conflicting classifications (1 of 4 stars). 5 submissions from 5 submitters: Uncertain significance (4); Likely benign (1). Last evaluated 2025-09-08.

Conditions:
Hereditary cancer-predisposing syndrome. Also called: Hereditary neoplastic syndrome; Hereditary Cancer Syndrome; Tumor predisposition; Neoplastic Syndromes, Hereditary. Identifiers: Orphanet 140162, MedGen C0027672, MeSH D009386, MONDO:0015356.
Hereditary cancer. Identifiers: MedGen C1333600.
Familial adenomatous polyposis 1 (FAP1). Also called: POLYPOSIS, ADENOMATOUS INTESTINAL; FAMILIAL ADENOMATOUS POLYPOSIS 1, ATTENUATED. Identifiers: MedGen C2713442, MONDO:0021056, OMIM 175100. Disease mechanism: loss of function.

Allele frequency attached by ClinVar (database versions not stated): gnomAD exomes below 0.00001 and 0.00001; ExAC 0.00001.

Submissions (5):

Ambry Genetics
Classification: Uncertain significance for Hereditary cancer-predisposing syndrome. Last evaluated: 2025-09-08. Review status: criteria provided, single submitter. Criteria: Ambry Variant Classification Scheme 2023. Collection method: clinical testing. Allele origin: germline.
Comment: The p.V642A variant (also known as c.1925T>C), located in coding exon 14 of the APC gene, results from a T to C substitution at nucleotide position 1925. The valine at codon 642 is replaced by alanine, an amino acid with similar properties. This amino acid position is highly conserved in available vertebrate species. In addition, in silico predictors for this gene do not accurately predict pathogenicity. Missense alterations in APC are not a common cause of disease (Spier I et al. Genet Med. 2024 Feb;26(2):100992). Based on the available evidence, the clinical significance of this variant remains unclear.

Labcorp Genetics (formerly Invitae), Labcorp
Classification: Uncertain significance for Familial adenomatous polyposis 1. Last evaluated: 2025-04-13. Review status: criteria provided, single submitter. Criteria: Invitae Variant Classification Sherloc (09022015). Collection method: clinical testing. Allele origin: germline.
Comment: This sequence change replaces valine, which is neutral and non-polar, with alanine, which is neutral and non-polar, at codon 642 of the APC protein (p.Val642Ala). This variant is present in population databases (rs759528091, gnomAD 0.006%). This variant has not been reported in the literature in individuals affected with APC-related conditions. ClinVar contains an entry for this variant (Variation ID: 438869). Invitae Evidence Modeling of protein sequence and biophysical properties (such as structural, functional, and spatial information, amino acid conservation, physicochemical variation, residue mobility, and thermodynamic stability) indicates that this missense variant is not expected to disrupt APC protein function with a negative predictive value of 95%. In summary, the available evidence is currently insufficient to determine the role of this variant in disease. Therefore, it has been classified as a Variant of Uncertain Significance.

Mendelics
Classification: Likely benign for Hereditary cancer. Last evaluated: 2024-09-11. Review status: criteria provided, single submitter. Criteria: ACMG Guidelines, 2015. Collection method: clinical testing. Allele origin: unknown.
Comment: This variant is considered likely benign or benign based on one or more of the following: it is predicted to be benign by multiple in silico algorithms, and/or has population frequency not consistent with disease, and/or has normal protein function, and/or has lack of segregation with disease, and/or has been detected in co-occurrence with known pathogenic variant, and/or has lack of disease association in case-control studies, and/or is located in a region inconsistent with a known cause of pathogenicity.

Color Diagnostics, LLC DBA Color Health
Classification: Uncertain significance for Hereditary cancer-predisposing syndrome. Last evaluated: 2023-12-05. Review status: criteria provided, single submitter. Criteria: ACMG Guidelines, 2015. Collection method: clinical testing. Allele origin: germline.
Comment: This missense variant replaces valine with alanine at codon 642 of the APC protein. Computational prediction is inconclusive regarding the impact of this variant on protein structure and function (internally defined REVEL score threshold 0.5 < inconclusive < 0.7, PMID: 27666373). To our knowledge, functional studies have not been reported for this variant. This variant has not been reported in individuals affected with APC-related disorders in the literature. This variant has been identified in 2/251214 chromosomes in the general population by the Genome Aggregation Database (gnomAD). The available evidence is insufficient to determine the role of this variant in disease conclusively. Therefore, this variant is classified as a Variant of Uncertain Significance.

Quest Diagnostics Nichols Institute San Juan Capistrano
Classification: Uncertain significance. Last evaluated: 2017-04-28. Review status: criteria provided, single submitter. Criteria: Quest Diagnostics criteria. Collection method: clinical testing. Allele origin: germline.